The following is an entry in ClinVar:

NM_005477.3(HCN4):c.2717G>C (p.Gly906Ala)

Gene: HCN4 (hyperpolarization activated cyclic nucleotide gated potassium channel 4; minus strand). Cytogenetic location: 15q24.1.
Variant type: single nucleotide variant.
Coding change: c.2717G>C on transcript NM_005477.3 (MANE Select); coding-DNA position 2717, G replaced by C.
Protein change: p.Gly906Ala; replaces glycine 906 with alanine.
Molecular consequence: missense variant.
Genome position (GRCh38, 1-based): chr15:73,323,376, C>G on the plus strand (G>C on the coding strand, the complement: HCN4 is on the minus strand). VCF-style: chr15-73323376-C-G. GRCh37 (hg19) VCF-style: chr15-73615717-C-G.
Other names: short protein forms G906A.
Identifiers: ClinVar variation 1795123 (VCV001795123.7), dbSNP rs1230507068, ClinGen allele CA393088302.

ClinVar aggregate classification (germline): Uncertain significance. Review status: criteria provided, multiple submitters, no conflicts (2 of 4 stars). 2 submissions from 2 submitters: Uncertain significance (2). Last evaluated 2024-09-01.

Conditions:
Cardiovascular phenotype. Identifiers: MedGen CN230736.
Brugada syndrome 8 (BRGDA8). Identifiers: Orphanet 130, MedGen C2751083, MONDO:0013148, OMIM 613123.

Allele frequency attached by ClinVar (database versions not stated): gnomAD 0.00001.
gnomAD v4.1: 4 of 1,584,408 alleles (0.00025%); highest among the groups gnomAD compares: Non-Finnish European, 0.00034%; no homozygotes.

Submissions (2):

Labcorp Genetics (formerly Invitae), Labcorp
Classification: Uncertain significance for Brugada syndrome 8. Last evaluated: 2024-09-01. Review status: criteria provided, single submitter. Criteria: Invitae Variant Classification Sherloc (09022015). Collection method: clinical testing. Allele origin: germline.
Comment: This sequence change replaces glycine, which is neutral and non-polar, with alanine, which is neutral and non-polar, at codon 906 of the HCN4 protein (p.Gly906Ala). This variant is present in population databases (no rsID available, gnomAD 0.001%). This variant has not been reported in the literature in individuals affected with HCN4-related conditions. ClinVar contains an entry for this variant (Variation ID: 1795123). Invitae Evidence Modeling of protein sequence and biophysical properties (such as structural, functional, and spatial information, amino acid conservation, physicochemical variation, residue mobility, and thermodynamic stability) indicates that this missense variant is not expected to disrupt HCN4 protein function with a negative predictive value of 95%. In summary, the available evidence is currently insufficient to determine the role of this variant in disease. Therefore, it has been classified as a Variant of Uncertain Significance.

Ambry Genetics
Classification: Uncertain significance for Cardiovascular phenotype. Last evaluated: 2022-03-23. Review status: criteria provided, single submitter. Criteria: Ambry Variant Classification Scheme 2023. Collection method: clinical testing. Allele origin: germline.
Comment: The p.G906A variant (also known as c.2717G>C), located in coding exon 8 of the HCN4 gene, results from a G to C substitution at nucleotide position 2717. The glycine at codon 906 is replaced by alanine, an amino acid with similar properties. This amino acid position is conserved. In addition, the in silico prediction for this alteration is inconclusive. Since supporting evidence is limited at this time, the clinical significance of this alteration remains unclear.